The following is an entry in ClinVar:

ClinVar aggregate classification (germline): Uncertain significance (1 of 4 stars; one submission).

Conditions:
Epidermolysis bullosa simplex 5B, with muscular dystrophy (EBS5B). Also called: Epidermolysis bullosa simplex with muscular dystrophy; EPIDERMOLYSIS BULLOSA SIMPLEX AND LIMB-GIRDLE MUSCULAR DYSTROPHY. Identifiers: Orphanet 257, MedGen C2931072, MONDO:0009181, OMIM 226670.
Epidermolysis bullosa simplex, Ogna type (EBS5A). Also called: Pidermolysis bullosa simplex 5A, Ogna type; EPIDERMOLYSIS BULLOSA SIMPLEX 5A, OGNA TYPE. Identifiers: Orphanet 79401, MedGen C0432317, MONDO:0007555, OMIM 131950.
Autosomal recessive limb-girdle muscular dystrophy type 2Q (LGMDR17). Also called: MUSCULAR DYSTROPHY, LIMB-GIRDLE, AUTOSOMAL RECESSIVE 17. Identifiers: Orphanet 254361, MedGen C3150989, MONDO:0013390, OMIM 613723.
Epidermolysis bullosa simplex with nail dystrophy (EBS5D). Identifiers: MedGen C4225309, MONDO:0014661, OMIM 616487.
Epidermolysis bullosa simplex 5C, with pyloric atresia (EBS5C). Also called: Epidermolysis bullosa simplex with pyloric atresia; PLEC-Related Epidermolysis Bullosa with Pyloric Atresia; PLEC1-Related Epidermolysis Bullosa with Pyloric Atresia. Identifiers: Orphanet 158684, MedGen C2677349, MONDO:0012807, OMIM 612138.

Allele frequency attached by ClinVar (database versions not stated): ExAC 0.00001; gnomAD exomes 0.00004; gnomAD 0.00012 and 0.00013; TOPMed 0.00014.
gnomAD v4.1: 77 of 1,595,386 alleles (0.0048%); highest among the groups gnomAD compares: Admixed American, 0.031%; no homozygotes.

Submission:

Labcorp Genetics (formerly Invitae), Labcorp
Classification: Uncertain significance for Autosomal recessive limb-girdle muscular dystrophy type 2Q; Epidermolysis bullosa simplex, Ogna type; Epidermolysis bullosa simplex with nail dystrophy; Epidermolysis bullosa simplex 5C, with pyloric atresia; Epidermolysis bullosa simplex 5B, with muscular dystrophy. Last evaluated: 2023-12-22. Review status: criteria provided, single submitter. Criteria: Invitae Variant Classification Sherloc (09022015). Collection method: clinical testing. Allele origin: germline.
Comment: This sequence change replaces threonine, which is neutral and polar, with alanine, which is neutral and non-polar, at codon 4522 of the PLEC protein (p.Thr4522Ala). This variant is present in population databases (rs782383259, gnomAD 0.02%). This variant has not been reported in the literature in individuals affected with PLEC-related conditions. ClinVar contains an entry for this variant (Variation ID: 1382124). Advanced modeling of protein sequence and biophysical properties (such as structural, functional, and spatial information, amino acid conservation, physicochemical variation, residue mobility, and thermodynamic stability) performed at Invitae indicates that this missense variant is not expected to disrupt PLEC protein function with a negative predictive value of 80%. In summary, the available evidence is currently insufficient to determine the role of this variant in disease. Therefore, it has been classified as a Variant of Uncertain Significance.

NM_201384.3(PLEC):c.13483A>G (p.Thr4495Ala)

Gene: PLEC (plectin; minus strand). Cytogenetic location: 8q24.3.
Variant type: single nucleotide variant.
Coding change: c.13483A>G on transcript NM_201384.3 (MANE Select); coding-DNA position 13483, A replaced by G.
Protein change: p.Thr4495Ala; replaces threonine 4495 with alanine.
Molecular consequence: missense variant.
Genome position (GRCh38, 1-based): chr8:143,916,338, T>C on the plus strand (A>G on the coding strand, the complement: PLEC is on the minus strand). VCF-style: chr8-143916338-T-C. GRCh37 (hg19) VCF-style: chr8-144990506-T-C.
Other names: c.13564A>G, p.Thr4522Ala (NM_000445.5); c.13441A>G, p.Thr4481Ala (NM_201378.4); c.13417A>G, p.Thr4473Ala (NM_201379.3); c.13894A>G, p.Thr4632Ala (NM_201380.4); c.13387A>G, p.Thr4463Ala (NM_201381.3); c.13483A>G, p.Thr4495Ala (NM_201382.4); c.13495A>G, p.Thr4499Ala (NM_201383.3); short protein forms T4481A, T4522A, T4632A, T4463A, T4495A, T4499A, T4473A.
Identifiers: ClinVar variation 1382124 (VCV001382124.6), dbSNP rs782383259, ClinGen allele CA4923786.
Genomic context (GRCh38, chr8:143,916,338, plus strand): 5'-TGGAGAAGCCGGAGCCGGTGGCGTCAAAGCTGCCGCGGCGGGAGCCGGCCCGGGAGCCGG[T>C]GCGCGAGCCGGTGCGGGAGCCAGCGGTAGAGCCGGAGCCGCTGACGCTGTAGGGGCTGTA-3'
Protein context (NP_958786.1, residues 4485-4505): STAGSRTGSR[Thr4495Ala]GSRAGSRRGS